The following is an entry in ClinVar:

ClinVar aggregate classification (germline): Uncertain significance. Review status: criteria provided, multiple submitters, no conflicts (2 of 4 stars). 2 submissions from 2 submitters: Uncertain significance (2). Last evaluated 2025-06-10.

Conditions:
Inborn genetic diseases. Identifiers: MedGen C0950123, MeSH D030342.

gnomAD v4.1: 85 of 1,612,844 alleles (0.0053%); highest among the groups gnomAD compares: African/African-American, 0.065%; no homozygotes.

Submissions (2):

Women's Health and Genetics/Laboratory Corporation of America, LabCorp
Classification: Uncertain significance. Last evaluated: 2025-06-10. Review status: criteria provided, single submitter. Criteria: LabCorp Variant Classification Summary - May 2015. Collection method: clinical testing. Allele origin: germline.
Comment: Variant summary: MEGF8 c.7333G>A (p.Val2445Met) results in a conservative amino acid change in the encoded protein sequence. Algorithms developed to predict the effect of missense changes on protein structure and function are either unavailable or do not agree on the potential impact of this missense change. The variant allele was found at a frequency of 7.7e-05 in 247980 control chromosomes. This frequency is not significantly higher than estimated for a pathogenic variant in MEGF8 causing Carpenter Syndrome - Type 2 (7.7e-05 vs 0.0011), allowing no conclusion about variant significance. To our knowledge, no occurrence of c.7333G>A in individuals affected with Carpenter Syndrome - Type 2 and no experimental evidence demonstrating its impact on protein function have been reported. No submitters have cited clinical-significance assessments for this variant to ClinVar. Based on the evidence outlined above, the variant was classified as uncertain significance.

Ambry Genetics
Classification: Uncertain significance for Inborn genetic diseases. Last evaluated: 2025-05-26. Review status: criteria provided, single submitter. Criteria: Ambry Variant Classification Scheme 2023. Collection method: clinical testing. Allele origin: germline.

NM_001271938.2(MEGF8):c.7534G>A (p.Val2512Met)

Gene: MEGF8 (multiple EGF like domains 8; plus strand). Cytogenetic location: 19q13.2.
Variant type: single nucleotide variant.
Coding change: c.7534G>A on transcript NM_001271938.2 (MANE Select); coding-DNA position 7534, G replaced by A.
Protein change: p.Val2512Met; replaces valine 2512 with methionine.
Molecular consequence: missense variant.
Genome position (GRCh38, 1-based): chr19:42,375,771, G>A. VCF-style: chr19-42375771-G-A. GRCh37 (hg19) VCF-style: chr19-42879923-G-A.
Other names: c.7333G>A, p.Val2445Met (NM_001410.3); c.7333G>A (NM_001410.2); short protein forms V2445M, V2512M.
Identifiers: ClinVar variation 3907260 (VCV003907260.2).
Genomic context (GRCh38, chr19:42,375,771, plus strand): 5'-ACGCTGGACGTGACCTTCGGGGCCGTGGACCTCTATGTCTCCACCTCCTATGACACCTTC[G>A]TGGTCCGTGTGGCCCCTGACACTGGCGTCCATACTGTACACATCCAGCCACCCCCAGCCC-3'
Protein context (NP_001258867.1, residues 2502-2522): LYVSTSYDTF[Val2512Met]VRVAPDTGVH